The following is an entry in ClinVar:

NM_004522.2(KIF5C):c.-482C>A

Genes: KIF5C (kinesin family member 5C; plus strand), LOC129934896 (ATAC-STARR-seq lymphoblastoid silent region 12001; plus strand). Cytogenetic location: 2q23.1.
Variant type: single nucleotide variant.
Coding change: c.-482C>A on transcript NM_004522.2; 482 bases upstream of the start codon, C replaced by A.
Genome position (GRCh38, 1-based): chr2:148,875,136, C>A. VCF-style: chr2-148875136-C-A. GRCh37 (hg19) VCF-style: chr2-149632705-C-A.
Identifiers: ClinVar variation 679867 (VCV000679867.4), dbSNP rs149307156, ClinGen allele CA11341184.

ClinVar aggregate classification (germline): Likely benign. Review status: criteria provided, multiple submitters, no conflicts (2 of 4 stars). 2 submissions from 2 submitters: Likely benign (2). Last evaluated 2018-06-14.

Allele frequency attached by ClinVar (database versions not stated): gnomAD 0.01982 and 0.02006; 1000 Genomes Project 30x 0.00656; 1000 Genomes Project 0.00379; gnomAD exomes 0.01434; TOPMed 0.01489.

Submissions (2):

GeneDx
Classification: Likely benign. Last evaluated: 2018-06-14. Review status: criteria provided, single submitter. Criteria: GeneDx Variant Classification (06012015). Collection method: clinical testing. Allele origin: germline. Affected: yes.
Comment: This variant is considered likely benign or benign based on one or more of the following criteria: it is a conservative change, it occurs at a poorly conserved position in the protein, it is predicted to be benign by multiple in silico algorithms, and/or has population frequency not consistent with disease.

Breakthrough Genomics
Classification: Likely benign. Review status: criteria provided, single submitter. Criteria: ACMG Guidelines, 2015. Collection method: not provided. Allele origin: germline. Inheritance: Autosomal dominant inheritance. Affected: yes.